The following is an entry in ClinVar:

ClinVar aggregate classification (germline): Uncertain significance (1 of 4 stars; one submission).

Conditions:
Combined immunodeficiency with skin granulomas. Identifiers: Orphanet 157949, MedGen C2673536, MONDO:0009306, OMIM 233650.
Severe combined immunodeficiency, autosomal recessive, T cell-negative, B cell-negative, NK cell-positive. Also called: SCID, T CELL-NEGATIVE, B CELL-NEGATIVE, NK CELL-POSITIVE; Severe combined immunodeficiency due to complete RAG1/2 deficiency; SCID, AR, T-cell negative, B-cell negative, NK cell-positive. Identifiers: Orphanet 331206, MedGen C1832322, MONDO:0011086, OMIM 601457.

Submission:

Labcorp Genetics (formerly Invitae), Labcorp
Classification: Uncertain significance for Combined immunodeficiency with skin granulomas; Severe combined immunodeficiency, autosomal recessive, T cell-negative, B cell-negative, NK cell-positive. Last evaluated: 2019-04-20. Review status: criteria provided, single submitter. Criteria: Invitae Variant Classification Sherloc (09022015). Collection method: clinical testing. Allele origin: germline.
Comment: This sequence change replaces glycine with alanine at codon 709 of the RAG1 protein (p.Gly709Ala). The glycine residue is highly conserved and there is a small physicochemical difference between glycine and alanine. This variant is not present in population databases (ExAC no frequency). Algorithms developed to predict the effect of missense changes on protein structure and function (SIFT, PolyPhen-2, Align-GVGD) all suggest that this variant is likely to be disruptive, but these predictions have not been confirmed by published functional studies and their clinical significance is uncertain. In summary, the available evidence is currently insufficient to determine the role of this variant in disease. Therefore, it has been classified as a Variant of Uncertain Significance. This variant disrupts the p.Gly709 amino acid residue in RAG1. Other variant(s) that disrupt this residue have been observed in individuals with RAG1-related conditions (PMID: 16960852), which suggests that this may be a clinically significant amino acid residue.

Literature cited by the submitters: PubMed 16960852.

NM_000448.3(RAG1):c.2126G>C (p.Gly709Ala)

Gene: RAG1 (recombination activating 1; plus strand). Cytogenetic location: 11p12.
Variant type: single nucleotide variant.
Coding change: c.2126G>C on transcript NM_000448.3 (MANE Select); coding-DNA position 2126, G replaced by C.
Protein change: p.Gly709Ala; replaces glycine 709 with alanine.
Molecular consequence: missense variant.
Genome position (GRCh38, 1-based): chr11:36,575,430, G>C. VCF-style: chr11-36575430-G-C. GRCh37 (hg19) VCF-style: chr11-36596980-G-C.
Other names: c.2126G>C, p.Gly709Ala (NM_001377277.1, NM_001377278.1, NM_001377279.1 and 1 more transcripts); short protein forms G709A.
Identifiers: ClinVar variation 846747 (VCV000846747.9), dbSNP rs1850829046, ClinGen allele CA380154053.